The following is an entry in ClinVar:

NM_000702.4(ATP1A2):c.2142C>G (p.Asp714Glu)

Gene: ATP1A2 (ATPase Na+/K+ transporting subunit alpha 2; plus strand). Cytogenetic location: 1q23.2.
Variant type: single nucleotide variant.
Coding change: c.2142C>G on transcript NM_000702.4 (MANE Select); coding-DNA position 2142, C replaced by G.
Protein change: p.Asp714Glu; replaces aspartic acid 714 with glutamic acid.
Molecular consequence: missense variant.
Genome position (GRCh38, 1-based): chr1:160,135,460, C>G. VCF-style: chr1-160135460-C-G. GRCh37 (hg19) VCF-style: chr1-160105250-C-G.
Other names: short protein forms D714E.
Identifiers: ClinVar variation 994989 (VCV000994989.2), dbSNP rs139022921, ClinGen allele CA343248926.

ClinVar aggregate classification (germline): Uncertain significance. Review status: criteria provided, multiple submitters, no conflicts (2 of 4 stars). 2 submissions from 2 submitters: Uncertain significance (2). Last evaluated 2022-06-28.

Submissions (2):

GeneDx
Classification: Uncertain significance. Last evaluated: 2022-06-28. Review status: criteria provided, single submitter. Criteria: GeneDx Variant Classification Process June 2021. Collection method: clinical testing. Allele origin: germline. Affected: yes.
Comment: Not observed at significant frequency in large population cohorts (gnomAD); In silico analysis supports that this missense variant has a deleterious effect on protein structure/function; Has not been previously published as pathogenic or benign to our knowledge

Athena Diagnostics
Classification: Uncertain significance. Last evaluated: 2020-01-09. Review status: criteria provided, single submitter. Criteria: Athena Diagnostics Criteria. Collection method: clinical testing. Allele origin: unknown.